The following is an entry in ClinVar:

ClinVar aggregate classification (germline): Uncertain significance (1 of 4 stars; one submission).

gnomAD v4.1: 1 of 1,581,452 alleles (0.000063%); highest among the groups gnomAD compares: Admixed American, 0.0019%; no homozygotes.

Submission:

Labcorp Genetics (formerly Invitae), Labcorp
Classification: Uncertain significance. Last evaluated: 2025-03-18. Review status: criteria provided, single submitter. Criteria: Invitae Variant Classification Sherloc (09022015). Collection method: clinical testing. Allele origin: germline.
Comment: This sequence change replaces tyrosine, which is neutral and polar, with histidine, which is basic and polar, at codon 123 of the ANXA11 protein (p.Tyr123His). This variant is not present in population databases (gnomAD no frequency). This variant has not been reported in the literature in individuals affected with ANXA11-related conditions. Experimental studies and prediction algorithms are not available or were not evaluated, and the functional significance of this variant is currently unknown. In summary, the available evidence is currently insufficient to determine the role of this variant in disease. Therefore, it has been classified as a Variant of Uncertain Significance.

NM_145868.2(ANXA11):c.367T>C (p.Tyr123His)

Gene: ANXA11 (annexin A11; minus strand). Cytogenetic location: 10q22.3.
Variant type: single nucleotide variant.
Coding change: c.367T>C on transcript NM_145868.2 (MANE Select); coding-DNA position 367, T replaced by C.
Protein change: p.Tyr123His; replaces tyrosine 123 with histidine.
Molecular consequence: missense variant.
Genome position (GRCh38, 1-based): chr10:80,169,163, A>G on the plus strand (T>C on the coding strand, the complement: ANXA11 is on the minus strand). VCF-style: chr10-80169163-A-G. GRCh37 (hg19) VCF-style: chr10-81928919-A-G.
Other names: c.367T>C, p.Tyr123His (NM_001157.3, NM_001278407.2, NM_001278408.2 and 1 more transcripts); c.268T>C, p.Tyr90His (NM_001278409.2); short protein forms Y123H, Y90H.
Identifiers: ClinVar variation 4715355 (VCV004715355.1).